The following is an entry in ClinVar:

ClinVar aggregate classification (germline): Uncertain significance. Review status: criteria provided, multiple submitters, no conflicts (2 of 4 stars). 2 submissions from 2 submitters: Uncertain significance (2). Last evaluated 2024-12-02.

Allele frequency attached by ClinVar (database versions not stated): TOPMed 0.00005; gnomAD 0.00006 and 0.00007; ExAC 0.00007; gnomAD exomes 0.00007 and 0.00009.
gnomAD v4.1: 111 of 1,612,962 alleles (0.0069%); highest among the groups gnomAD compares: South Asian, 0.066%; no homozygotes.

Submissions (2):

Labcorp Genetics (formerly Invitae), Labcorp
Classification: Uncertain significance. Last evaluated: 2024-12-02. Review status: criteria provided, single submitter. Criteria: Invitae Variant Classification Sherloc (09022015). Collection method: clinical testing. Allele origin: germline.
Comment: The COL18A1 gene has multiple clinically relevant transcripts. This variant occurs in alternate transcript NM_030582.4, and corresponds to NM_130445.3:c.107-12348C>T in the primary transcript. This sequence change replaces arginine, which is basic and polar, with tryptophan, which is neutral and slightly polar, at codon 122 of the COL18A1 protein (p.Arg122Trp). This variant is present in population databases (rs780835386, gnomAD 0.06%). This variant has not been reported in the literature in individuals affected with COL18A1-related conditions. ClinVar contains an entry for this variant (Variation ID: 1392170). Experimental studies and prediction algorithms are not available or were not evaluated, and the functional significance of this variant is currently unknown. Algorithms developed to predict the effect of sequence changes on RNA splicing suggest that this variant is not likely to affect RNA splicing. In summary, the available evidence is currently insufficient to determine the role of this variant in disease. Therefore, it has been classified as a Variant of Uncertain Significance.

Blueprint Genetics
Classification: Uncertain significance. Last evaluated: 2024-05-24. Review status: criteria provided, single submitter. Criteria: ACMG Guidelines, 2015. Collection method: clinical testing. Allele origin: germline.

NM_001379500.1(COL18A1):c.107-12348C>T

Gene: COL18A1 (collagen type XVIII alpha 1 chain; plus strand). Cytogenetic location: 21q22.3.
Variant type: single nucleotide variant.
Coding change: c.107-12348C>T on transcript NM_001379500.1 (MANE Select); 12348 bases into the intron before coding-DNA position 107, C replaced by T.
Molecular consequence: intron variant. On other transcripts: missense variant (2).
Genome position (GRCh38, 1-based): chr21:45,455,894, C>T. VCF-style: chr21-45455894-C-T. GRCh37 (hg19) VCF-style: chr21-46875808-C-T.
Other names: c.364C>T, p.Arg122Trp (NM_030582.4, NM_130444.3); short protein forms R122W.
Identifiers: ClinVar variation 1392170 (VCV001392170.5), dbSNP rs780835386, ClinGen allele CA10065455.